The following is an entry in ClinVar:

ClinVar aggregate classification (germline): Uncertain significance (1 of 4 stars; one submission).

Conditions:
Enhanced S-cone syndrome (ESCS). Identifiers: Orphanet 53540, MedGen C1849394, MONDO:0100288, MONDO:0009989.
Retinitis pigmentosa 37 (RP37). Identifiers: Orphanet 791, MedGen C1970163, MONDO:0012625, OMIM 611131.

Submission:

Diagnostics Services (NGS), CSIR - Centre For Cellular And Molecular Biology
Classification: Uncertain significance for Retinitis pigmentosa 37; ENHANCED S-CONE SYNDROME 1. Last evaluated: 2024-08-13. Review status: criteria provided, single submitter. Criteria: ACMG Guidelines, 2015. Collection method: clinical testing. Allele origin: germline. Affected: yes. Observed: 1 variant allele, 1 homozygote.
Comment: The c.1104A>G variant is not present in publicly available population databases like 1000 Genomes, ExAC, EVS, gnomAD, Indian Exome Database or our in-house exome database. This variant has neither been published in literature in individuals with NR2E3-related conditions nor reported to the clinical databases like Human Genome Mutation Database (HGMD), ClinVar or OMIM, in any affected individuals. In-silico pathogenicity prediction programs like MutationTaster2, CADD, Varsome etc predicted the variant to be likely deleterious. This variant disrupts the original stop-signal at the 368th codon of the wild-type transcript that can alter the protein-length by extending it to 14 amino acids. This variant is located at the intron 8 of the other transcript (NM_014249.4:c.1100+4A>G) of the NR2E3 gene. Algorithms developed to predict the effect of sequence changes on RNA splicing suggest that this variant can cause splicing aberration however these predictions were not confirmed by published functional/translational studies.

NM_014249.4(NR2E3):c.1100+4A>G

Gene: NR2E3 (nuclear receptor subfamily 2 group E member 3; plus strand). Cytogenetic location: 15q23.
Variant type: single nucleotide variant.
Coding change: c.1100+4A>G on transcript NM_014249.4 (MANE Select); 4 bases into the intron after coding-DNA position 1100, A replaced by G.
Molecular consequence: intron variant. On other transcripts: stop lost (1).
Genome position (GRCh38, 1-based): chr15:71,814,121, A>G. VCF-style: chr15-71814121-A-G. GRCh37 (hg19) VCF-style: chr15-72106462-A-G.
Other names: c.1104A>G, p.Ter368Trp (NM_016346.4).
Identifiers: ClinVar variation 3340518 (VCV003340518.1).